The following is an entry in ClinVar:

NM_017763.6(RNF43):c.960T>A (p.Asp320Glu)

Gene: RNF43 (ring finger protein 43; minus strand). Cytogenetic location: 17q22.
Variant type: single nucleotide variant.
Coding change: c.960T>A on transcript NM_017763.6 (MANE Select); coding-DNA position 960, T replaced by A.
Protein change: p.Asp320Glu; replaces aspartic acid 320 with glutamic acid.
Molecular consequence: missense variant.
Genome position (GRCh38, 1-based): chr17:58,358,816, A>T on the plus strand (T>A on the coding strand, the complement: RNF43 is on the minus strand). VCF-style: chr17-58358816-A-T. GRCh37 (hg19) VCF-style: chr17-56436177-A-T.
Other names: c.579T>A, p.Asp193Glu (NM_001437987.1, NM_001305545.2); c.960T>A, p.Asp320Glu (NM_001438820.1, NM_001438821.1, NM_001438822.1 and 1 more transcripts); short protein forms D193E, D320E.
Identifiers: ClinVar variation 4863384 (VCV004863384.1).

ClinVar aggregate classification (germline): Uncertain significance (1 of 4 stars; one submission).

Submission:

Ambry Genetics
Classification: Uncertain significance. Last evaluated: 2026-03-24. Review status: criteria provided, single submitter. Criteria: Ambry Variant Classification Scheme 2023. Collection method: clinical testing. Allele origin: germline.
Comment: The p.D320E variant (also known as c.960T>A), located in coding exon 8 of the RNF43 gene, results from a T to A substitution at nucleotide position 960. The aspartic acid at codon 320 is replaced by glutamic acid, an amino acid with highly similar properties. This amino acid position is conserved. In addition, this alteration is predicted to be tolerated by in silico analysis. Based on the available evidence, the clinical significance of this variant remains unclear.